The following is an entry in ClinVar:

ClinVar aggregate classification (germline): Uncertain significance (1 of 4 stars; one submission).

Conditions:
Propionic acidemia (PROP). Also called: GLYCINEMIA, KETOTIC; HYPERGLYCINEMIA WITH KETOACIDOSIS AND LEUKOPENIA; KETOTIC HYPERGLYCINEMIA. Identifiers: Orphanet 35, MedGen C0268579, MONDO:0011628, OMIM 606054, HP:0003571.

Allele frequency attached by ClinVar (database versions not stated): gnomAD exomes below 0.00001.
gnomAD v4.1: 6 of 1,601,746 alleles (0.00037%); highest among the groups gnomAD compares: Non-Finnish European, 0.00051%; no homozygotes.

Submission:

Labcorp Genetics (formerly Invitae), Labcorp
Classification: Uncertain significance for Propionic acidemia. Last evaluated: 2022-06-22. Review status: criteria provided, single submitter. Criteria: Invitae Variant Classification Sherloc (09022015). Collection method: clinical testing. Allele origin: germline.
Comment: This sequence change falls in intron 1 of the PCCB gene. It does not directly change the encoded amino acid sequence of the PCCB protein. This variant is present in population databases (no rsID available, gnomAD no frequency). This variant has not been reported in the literature in individuals affected with PCCB-related conditions. Algorithms developed to predict the effect of sequence changes on RNA splicing suggest that this variant may create or strengthen a splice site. In summary, the available evidence is currently insufficient to determine the role of this variant in disease. Therefore, it has been classified as a Variant of Uncertain Significance.

NM_000532.5(PCCB):c.183+14G>A

Gene: PCCB (propionyl-CoA carboxylase subunit beta; plus strand). Cytogenetic location: 3q22.3.
Variant type: single nucleotide variant.
Coding change: c.183+14G>A on transcript NM_000532.5 (MANE Select); 14 bases into the intron after coding-DNA position 183, G replaced by A.
Molecular consequence: intron variant.
Genome position (GRCh38, 1-based): chr3:136,250,572, G>A. VCF-style: chr3-136250572-G-A. GRCh37 (hg19) VCF-style: chr3-135969414-G-A.
Other names: c.183+14G>A (NM_001178014.2).
Identifiers: ClinVar variation 2145813 (VCV002145813.1), dbSNP rs1184082745, ClinGen allele CA546894782.
Genomic context (GRCh38, chr3:136,250,572, plus strand): 5'-CGCTGCTGGGAGGGGGCCAACGCCGTATTGACGCGCAGCACAAGCGAGTGAGTCCTGAGG[G>A]GCCTAAGTGAGTCCCGCCCCTGGCGTCCGCGACCTATCACTGCGTGCCCGGCTTGCGGCG-3'